The following is an entry in ClinVar:

NM_145207.3(AFG2A):c.2390C>T (p.Pro797Leu)

Gene: AFG2A (AAA ATPase AFG2A; plus strand). Cytogenetic location: 4q28.1.
Variant type: single nucleotide variant.
Coding change: c.2390C>T on transcript NM_145207.3 (MANE Select); coding-DNA position 2390, C replaced by T.
Protein change: p.Pro797Leu; replaces proline 797 with leucine.
Molecular consequence: missense variant.
Genome position (GRCh38, 1-based): chr4:123,256,065, C>T. VCF-style: chr4-123256065-C-T. GRCh37 (hg19) VCF-style: chr4-124177220-C-T.
Other names: c.2387C>T, p.Pro796Leu (NM_001345856.2); short protein forms P796L, P797L.
Identifiers: ClinVar variation 936979 (VCV000936979.6), dbSNP rs1390467559, ClinGen allele CA358230609.

ClinVar aggregate classification (germline): Uncertain significance (1 of 4 stars; one submission).

Conditions:
Microcephaly-intellectual disability-sensorineural hearing loss-epilepsy-abnormal muscle tone syndrome (NEDHSB). Also called: NEURODEVELOPMENTAL DISORDER WITH HEARING LOSS, SEIZURES, AND BRAIN ABNORMALITIES. Identifiers: Orphanet 457351, MedGen C4225276, MONDO:0014698, OMIM 616577.

Allele frequency attached by ClinVar (database versions not stated): gnomAD 0.00001; TOPMed 0.00001.
gnomAD v4.1: 5 of 1,613,874 alleles (0.00031%); highest among the groups gnomAD compares: East Asian, 0.0022%; no homozygotes.

Submission:

Labcorp Genetics (formerly Invitae), Labcorp
Classification: Uncertain significance for Microcephaly-intellectual disability-sensorineural hearing loss-epilepsy-abnormal muscle tone syndrome. Last evaluated: 2024-06-03. Review status: criteria provided, single submitter. Criteria: Invitae Variant Classification Sherloc (09022015). Collection method: clinical testing. Allele origin: germline.
Comment: This sequence change replaces proline, which is neutral and non-polar, with leucine, which is neutral and non-polar, at codon 797 of the SPATA5 protein (p.Pro797Leu). This variant is not present in population databases (gnomAD no frequency). This variant has not been reported in the literature in individuals affected with SPATA5-related conditions. ClinVar contains an entry for this variant (Variation ID: 936979). Advanced modeling of protein sequence and biophysical properties (such as structural, functional, and spatial information, amino acid conservation, physicochemical variation, residue mobility, and thermodynamic stability) performed at Invitae indicates that this missense variant is expected to disrupt SPATA5 protein function with a positive predictive value of 95%. In summary, the available evidence is currently insufficient to determine the role of this variant in disease. Therefore, it has been classified as a Variant of Uncertain Significance.